The following is an entry in ClinVar:

NM_005228.5(EGFR):c.1666A>C (p.Ile556Leu)

Gene: EGFR (epidermal growth factor receptor; plus strand). Cytogenetic location: 7p11.2.
Variant type: single nucleotide variant.
Coding change: c.1666A>C on transcript NM_005228.5 (MANE Select); coding-DNA position 1666, A replaced by C.
Protein change: p.Ile556Leu; replaces isoleucine 556 with leucine.
Molecular consequence: missense variant.
Genome position (GRCh38, 1-based): chr7:55,163,767, A>C. VCF-style: chr7-55163767-A-C. GRCh37 (hg19) VCF-style: chr7-55231460-A-C.
Other names: c.1531A>C, p.Ile511Leu (NM_001346897.2, NM_001346899.2); c.1666A>C, p.Ile556Leu (NM_001346898.2, NM_201282.2, NM_201284.2); c.1507A>C, p.Ile503Leu (NM_001346900.2); c.865A>C, p.Ile289Leu (NM_001346941.2); short protein forms I503L, I556L, I289L, I511L.
Identifiers: ClinVar variation 3659592 (VCV003659592.2).
Genomic context (GRCh38, chr7:55,163,767, plus strand): 5'-GACGGGTTTCCTCTTCCTCCTCTCAGTGAGCCAAGGGAGTTTGTGGAGAACTCTGAGTGC[A>C]TACAGTGCCACCCAGAGTGCCTGCCTCAGGCCATGAACATCACCTGCACAGGACGGGTAA-3'
Protein context (NP_005219.2, residues 546-566): PREFVENSEC[Ile556Leu]QCHPECLPQA

ClinVar aggregate classification (germline): Uncertain significance (1 of 4 stars; one submission).

Conditions:
EGFR-related lung cancer (EGFR). Identifiers: MedGen CN130014.

Submission:

Labcorp Genetics (formerly Invitae), Labcorp
Classification: Uncertain significance for EGFR-related lung cancer. Last evaluated: 2025-09-30. Review status: criteria provided, single submitter. Criteria: Invitae Variant Classification Sherloc (09022015). Collection method: clinical testing. Allele origin: germline.
Comment: This sequence change replaces isoleucine, which is neutral and non-polar, with leucine, which is neutral and non-polar, at codon 556 of the EGFR protein (p.Ile556Leu). This variant is not present in population databases (gnomAD no frequency). This variant has not been reported in the literature in individuals affected with EGFR-related conditions. ClinVar contains an entry for this variant (Variation ID: 3659592). Invitae Evidence Modeling of protein sequence and biophysical properties (such as structural, functional, and spatial information, amino acid conservation, physicochemical variation, residue mobility, and thermodynamic stability) indicates that this missense variant is not expected to disrupt EGFR protein function with a negative predictive value of 80%. In summary, the available evidence is currently insufficient to determine the role of this variant in disease. Therefore, it has been classified as a Variant of Uncertain Significance.